The following is an entry in ClinVar:

NM_001845.6(COL4A1):c.4941G>A (p.Pro1647=)

Gene: COL4A1 (collagen type IV alpha 1 chain; minus strand). Cytogenetic location: 13q34.
Variant type: single nucleotide variant.
Coding change: c.4941G>A on transcript NM_001845.6 (MANE Select); coding-DNA position 4941, G replaced by A.
Protein change: p.Pro1647=; no amino-acid change (proline 1647 retained).
Molecular consequence: synonymous variant.
Genome position (GRCh38, 1-based): chr13:110,150,432, C>T on the plus strand (G>A on the coding strand, the complement: COL4A1 is on the minus strand). VCF-style: chr13-110150432-C-T. GRCh37 (hg19) VCF-style: chr13-110802779-C-T.
Other names: p.Pro1647=.
Identifiers: ClinVar variation 311019 (VCV000311019.25), dbSNP rs115834242, ClinGen allele CA7046747.

ClinVar aggregate classification (germline): Benign/Likely benign. Review status: criteria provided, multiple submitters, no conflicts (2 of 4 stars). 8 submissions from 7 submitters: Benign (4); Likely benign (4). Last evaluated 2026-01-31.

Conditions:
Autosomal dominant familial hematuria-retinal arteriolar tortuosity-contractures syndrome. Also called: Hereditary Angiopathy with Nephropathy, Aneurysms, and Muscle Cramps (HANAC) Syndrome; Angiopathy, hereditary, with nephropathy, aneurysms, and muscle cramps. Identifiers: Orphanet 73229, MedGen C2673195, MONDO:0012726, OMIM 611773.
Microangiopathy and leukoencephalopathy, pontine, autosomal dominant. Also called: DEMENTIA, HEREDITARY MULTI-INFARCT, SWEDISH TYPE; Pontine autosomal dominant microangiopathy with leukoencephalopathy. Identifiers: Orphanet 477749, MedGen C5231411, MONDO:0032814, OMIM 618564.
Brain small vessel disease 1 with or without ocular anomalies (BSVD1). Also called: PORENCEPHALY, TYPE 1, AUTOSOMAL DOMINANT; Brain small vessel disease with or without ocular anomalies; GOULD SYNDROME 1; BRAIN SMALL VESSEL DISEASE WITH HEMORRHAGE. Identifiers: Orphanet 2940, Orphanet 36383, Orphanet 99810, MedGen C4755307, MONDO:0008289, OMIM 175780.
Hemorrhage, intracerebral, susceptibility to (ICH). Also called: Stroke, hemorrhagic, susceptibility to. Identifiers: MedGen C3281105, MONDO:0100533, OMIM 614519.
Retinal arterial tortuosity. Also called: RETINAL HEMORRHAGE WITH VASCULAR TORTUOSITY; Retinal arteries, tortuosity of. Identifiers: Orphanet 75326, MedGen C0423401, MONDO:0008373, OMIM 180000, HP:0000631.

Allele frequency attached by ClinVar (database versions not stated): gnomAD exomes 0.00022 and 0.00056; ExAC 0.00069; gnomAD 0.00200 and 0.00215; TOPMed 0.00218; 1000 Genomes Project 0.00240; ESP Exome Variant Server 0.00261; 1000 Genomes Project 30x 0.00265.
gnomAD v4.1: 632 of 1,613,986 alleles (0.039%); highest among the groups gnomAD compares: African/African-American, 0.74%; 2 homozygotes.

Submissions (8):

Labcorp Genetics (formerly Invitae), Labcorp
Classification: Benign. Last evaluated: 2026-01-31. Review status: criteria provided, single submitter. Criteria: Invitae Variant Classification Sherloc (09022015). Collection method: clinical testing. Allele origin: germline.

Mayo Clinic Laboratories, Mayo Clinic
Classification: Likely benign. Last evaluated: 2025-03-05. Review status: criteria provided, single submitter. Criteria: ACMG Guidelines, 2015. Collection method: clinical testing. Allele origin: germline. Observed: 6 variant alleles.
Comment: BS1, BP4, BP7

Blueprint Genetics
Classification: Likely benign. Last evaluated: 2024-08-28. Review status: criteria provided, single submitter. Criteria: ACMG Guidelines, 2015. Collection method: clinical testing. Allele origin: germline.

Athena Diagnostics
Classification: Benign. Last evaluated: 2024-01-30. Review status: criteria provided, single submitter. Criteria: Athena Diagnostics Criteria. Collection method: clinical testing. Allele origin: unknown.

Fulgent Genetics
Classification: Likely benign for Brain small vessel disease 1 with or without ocular anomalies; Retinal arterial tortuosity; Autosomal dominant familial hematuria-retinal arteriolar tortuosity-contractures syndrome; Hemorrhage, intracerebral, susceptibility to; Microangiopathy and leukoencephalopathy, pontine, autosomal dominant. Last evaluated: 2021-10-02. Review status: criteria provided, single submitter. Criteria: ACMG Guidelines, 2015. Collection method: clinical testing. Allele origin: unknown.

GeneDx
Classification: Likely benign. Last evaluated: 2021-02-28. Review status: criteria provided, single submitter. Criteria: GeneDx Variant Classification Process June 2021. Collection method: clinical testing. Allele origin: germline. Affected: yes.

Illumina Laboratory Services, Illumina
Classification: Benign for Brain small vessel disease 1 with or without ocular anomalies. Last evaluated: 2018-01-13. Review status: criteria provided, single submitter. Criteria: ICSL Variant Classification Criteria 13 December 2019. Collection method: clinical testing. Allele origin: germline.
Comment: This variant was observed in the ICSL laboratory as part of a predisposition screen in an ostensibly healthy population. It had not been previously curated by ICSL or reported in the Human Gene Mutation Database (HGMD: prior to June 1st, 2018), and was therefore a candidate for classification through an automated scoring system. Utilizing variant allele frequency, disease prevalence and penetrance estimates, and inheritance mode, an automated score was calculated to assess if this variant is too frequent to cause the disease. Based on the score and internal cut-off values, a variant classified as benign is not then subjected to further curation. The score for this variant resulted in a classification of benign for this disease.

Illumina Laboratory Services, Illumina
Classification: Benign for Autosomal dominant familial hematuria-retinal arteriolar tortuosity-contractures syndrome. Last evaluated: 2018-01-13. Review status: criteria provided, single submitter. Criteria: ICSL Variant Classification Criteria 13 December 2019. Collection method: clinical testing. Allele origin: germline.
Comment: the same text as in the submission from Illumina Laboratory Services, Illumina above.